The following is an entry in ClinVar:

ClinVar aggregate classification (germline): Conflicting classifications of pathogenicity. Review status: criteria provided, conflicting classifications (1 of 4 stars). 3 submissions from 3 submitters: Uncertain significance (1); Likely benign (2). Last evaluated 2021-11-07.

Conditions:
Mowat-Wilson syndrome (MOWS). Also called: Classic Mowat-Wilson Syndrome. Identifiers: Orphanet 2152, MedGen C1856113, MONDO:0009341, OMIM 235730.

gnomAD v4.1: 2 of 1,614,022 alleles (0.00012%); highest among the groups gnomAD compares: Admixed American, 0.0017%; no homozygotes.

Submissions (3):

Genome-Nilou Lab
Classification: Likely benign for Mowat-Wilson syndrome. Last evaluated: 2021-11-07. Review status: criteria provided, single submitter. Criteria: ACMG Guidelines, 2015. Collection method: clinical testing. Allele origin: germline. Affected: no.

GeneDx
Classification: Likely benign. Last evaluated: 2021-05-11. Review status: criteria provided, single submitter. Criteria: GeneDx Variant Classification Process June 2021. Collection method: clinical testing. Allele origin: germline. Affected: yes.
Comment: Not observed in large population cohorts (Lek et al., 2016); In silico analysis supports that this missense variant does not alter protein structure/function; Has not been previously published as pathogenic or benign to our knowledge

Labcorp Genetics (formerly Invitae), Labcorp
Classification: Uncertain significance for Mowat-Wilson syndrome. Last evaluated: 2019-08-20. Review status: criteria provided, single submitter. Criteria: Invitae Variant Classification Sherloc (09022015). Collection method: clinical testing. Allele origin: germline.
Comment: This variant has not been reported in the literature in individuals with ZEB2-related conditions. ClinVar contains an entry for this variant (Variation ID: 181717). This sequence change replaces alanine with aspartic acid at codon 832 of the ZEB2 protein (p.Ala832Asp). The alanine residue is moderately conserved and there is a moderate physicochemical difference between alanine and aspartic acid. This variant is not present in population databases (ExAC no frequency). Algorithms developed to predict the effect of missense changes on protein structure and function are either unavailable or do not agree on the potential impact of this missense change (SIFT: "Deleterious"; PolyPhen-2: "Benign"; Align-GVGD: "Class C15"). In summary, the available evidence is currently insufficient to determine the role of this variant in disease. Therefore, it has been classified as a Variant of Uncertain Significance.

NM_014795.4(ZEB2):c.2495C>A (p.Ala832Asp)

Gene: ZEB2 (zinc finger E-box binding homeobox 2; minus strand). Cytogenetic location: 2q22.3.
Variant type: single nucleotide variant.
Coding change: c.2495C>A on transcript NM_014795.4 (MANE Select); coding-DNA position 2495, C replaced by A.
Protein change: p.Ala832Asp; replaces alanine 832 with aspartic acid.
Molecular consequence: missense variant.
Genome position (GRCh38, 1-based): chr2:144,398,692, G>T on the plus strand (C>A on the coding strand, the complement: ZEB2 is on the minus strand). VCF-style: chr2-144398692-G-T. GRCh37 (hg19) VCF-style: chr2-145156259-G-T.
Other names: p.A832D:GCC>GAC; c.2423C>A, p.Ala808Asp (NM_001171653.2); short protein forms A832D, A808D.
Identifiers: ClinVar variation 181717 (VCV000181717.16), dbSNP rs730881179, ClinGen allele CA297570.